The following is an entry in ClinVar:

NM_001367561.1(DOCK7):c.2392C>G (p.Leu798Val)

Gene: DOCK7 (dedicator of cytokinesis 7; minus strand). Cytogenetic location: 1p31.3.
Variant type: single nucleotide variant.
Coding change: c.2392C>G on transcript NM_001367561.1 (MANE Select); coding-DNA position 2392, C replaced by G.
Protein change: p.Leu798Val; replaces leucine 798 with valine.
Molecular consequence: missense variant.
Genome position (GRCh38, 1-based): chr1:62,559,028, G>C on the plus strand (C>G on the coding strand, the complement: DOCK7 is on the minus strand). VCF-style: chr1-62559028-G-C. GRCh37 (hg19) VCF-style: chr1-63024699-G-C.
Other names: c.2392C>G, p.Leu798Val (NM_001271999.2, NM_001272000.2, NM_001272001.2 and 2 more transcripts); short protein forms L798V.
Identifiers: ClinVar variation 1372862 (VCV001372862.3), dbSNP rs372835437, ClinGen allele CA340626020.

ClinVar aggregate classification (germline): Uncertain significance (1 of 4 stars; one submission).

Conditions:
Developmental and epileptic encephalopathy, 23 (DEE23). Also called: Epileptic encephalopathy, early infantile, 23. Identifiers: Orphanet 411986, MedGen C4014492, MONDO:0014371, OMIM 615859.

gnomAD v4.1: 1 of 1,613,398 alleles (0.000062%); highest among the groups gnomAD compares: Non-Finnish European, 0.000085%; no homozygotes.

Submission:

Labcorp Genetics (formerly Invitae), Labcorp
Classification: Uncertain significance for Developmental and epileptic encephalopathy, 23. Last evaluated: 2022-07-19. Review status: criteria provided, single submitter. Criteria: Invitae Variant Classification Sherloc (09022015). Collection method: clinical testing. Allele origin: germline.
Comment: This sequence change replaces leucine, which is neutral and non-polar, with valine, which is neutral and non-polar, at codon 798 of the DOCK7 protein (p.Leu798Val). This variant is not present in population databases (gnomAD no frequency). This variant has not been reported in the literature in individuals affected with DOCK7-related conditions. ClinVar contains an entry for this variant (Variation ID: 1372862). Algorithms developed to predict the effect of missense changes on protein structure and function (SIFT, PolyPhen-2, Align-GVGD) all suggest that this variant is likely to be tolerated. In summary, the available evidence is currently insufficient to determine the role of this variant in disease. Therefore, it has been classified as a Variant of Uncertain Significance.